The following is an entry in ClinVar:

NM_002838.5(PTPRC):c.232C>T (p.Pro78Ser)

Gene: PTPRC (protein tyrosine phosphatase receptor type C; plus strand). Cytogenetic location: 1q31.3.
Variant type: single nucleotide variant.
Coding change: c.232C>T on transcript NM_002838.5 (MANE Select); coding-DNA position 232, C replaced by T.
Protein change: p.Pro78Ser; replaces proline 78 with serine.
Molecular consequence: missense variant. On other transcripts: intron variant (1).
Genome position (GRCh38, 1-based): chr1:198,696,843, C>T. VCF-style: chr1-198696843-C-T. GRCh37 (hg19) VCF-style: chr1-198665972-C-T.
Other names: c.100+4470C>T (NM_080921.4); short protein forms P78S.
Identifiers: ClinVar variation 1020039 (VCV001020039.9), dbSNP rs1364776797, ClinGen allele CA344096960.

ClinVar aggregate classification (germline): Uncertain significance (1 of 4 stars; one submission).

Conditions:
Immunodeficiency 104. Also called: SCID, AUTOSOMAL RECESSIVE, T CELL-NEGATIVE, B CELL-POSITIVE, NK CELL-POSITIVE; Severe Combined Immune Deficiency, Autosomal Recessive, TCell -Negative, B Cell-Positive, NK Cell-Positive, IL7R-Related; Severe combined immunodeficiency, autosomal recessive, T cell-negative, B cell-positive, NK cell-positive; IMMUNODEFICIENCY 104, SEVERE COMBINED. Identifiers: MedGen C5676890, MONDO:0012163, OMIM 608971.

Submission:

Labcorp Genetics (formerly Invitae), Labcorp
Classification: Uncertain significance for Immunodeficiency 104. Last evaluated: 2022-08-23. Review status: criteria provided, single submitter. Criteria: Invitae Variant Classification Sherloc (09022015). Collection method: clinical testing. Allele origin: germline.
Comment: This variant has not been reported in the literature in individuals affected with PTPRC-related conditions. ClinVar contains an entry for this variant (Variation ID: 1020039). This sequence change replaces proline, which is neutral and non-polar, with serine, which is neutral and polar, at codon 78 of the PTPRC protein (p.Pro78Ser). This variant is not present in population databases (gnomAD no frequency). Algorithms developed to predict the effect of missense changes on protein structure and function output the following: SIFT: "Tolerated"; PolyPhen-2: "Benign"; Align-GVGD: "Class C0". The serine amino acid residue is found in multiple mammalian species, which suggests that this missense change does not adversely affect protein function. In summary, the available evidence is currently insufficient to determine the role of this variant in disease. Therefore, it has been classified as a Variant of Uncertain Significance.